The following is an entry in ClinVar:

ClinVar aggregate classification (germline): Uncertain significance (1 of 4 stars; one submission).

Submission:

Clinical Genomics Laboratory, Washington University in St. Louis
Classification: Uncertain significance. Last evaluated: 2023-10-23. Review status: criteria provided, single submitter. Criteria: ACMG Guidelines, 2015. Collection method: clinical testing. Allele origin: germline.
Comment: The ZNF827 c.808G>T (p.Glu270Ter) variant, to our knowledge, has not been reported in the medical literature and is not observed in the general population (gnomAD v.2.1.1), indicating it is not a common variant. This variant is predicted to result in nonsense mediated decay. Due to limited information, the clinical significance of this variant is uncertain.

NM_001306215.2(ZNF827):c.808G>T (p.Glu270Ter)

Gene: ZNF827 (zinc finger protein 827; minus strand). Cytogenetic location: 4q31.22.
Variant type: single nucleotide variant.
Coding change: c.808G>T on transcript NM_001306215.2 (MANE Select); coding-DNA position 808, G replaced by T.
Protein change: p.Glu270Ter; replaces glutamic acid 270 with a stop codon.
Molecular consequence: nonsense.
Genome position (GRCh38, 1-based): chr4:145,902,451, C>A on the plus strand (G>T on the coding strand, the complement: ZNF827 is on the minus strand). VCF-style: chr4-145902451-C-A. GRCh37 (hg19) VCF-style: chr4-146823603-C-A.
Other names: c.808G>T, p.Glu270Ter (NM_001410850.1, NM_178835.5); short protein forms E270*.
Identifiers: ClinVar variation 2672164 (VCV002672164.1), dbSNP rs1751502887, ClinGen allele CA358360910.